The following is an entry in ClinVar:

ClinVar aggregate classification (germline): Uncertain significance (1 of 4 stars; one submission).

Conditions:
Hereditary spastic paraplegia 45. Also called: Spastic paraplegia 45, autosomal recessive; SPASTIC PARAPLEGIA 45. Identifiers: Orphanet 320396, MedGen C3888209, MONDO:0013165, OMIM 613162.

Allele frequency attached by ClinVar (database versions not stated): gnomAD exomes 0.00002; TOPMed 0.00002; gnomAD 0.00003; ExAC 0.00005.
gnomAD v4.1: 32 of 1,613,738 alleles (0.002%); highest among the groups gnomAD compares: East Asian, 0.071%; 1 homozygote.

Submission:

Labcorp Genetics (formerly Invitae), Labcorp
Classification: Uncertain significance for Hereditary spastic paraplegia 45. Last evaluated: 2024-09-30. Review status: criteria provided, single submitter. Criteria: Invitae Variant Classification Sherloc (09022015). Collection method: clinical testing. Allele origin: germline.
Comment: This sequence change replaces glutamic acid, which is acidic and polar, with glutamine, which is neutral and polar, at codon 241 of the NT5C2 protein (p.Glu241Gln). This variant is present in population databases (rs754895062, gnomAD 0.07%). This variant has not been reported in the literature in individuals affected with NT5C2-related conditions. ClinVar contains an entry for this variant (Variation ID: 2159182). An algorithm developed to predict the effect of missense changes on protein structure and function (PolyPhen-2) suggests that this variant is likely to be tolerated. In summary, the available evidence is currently insufficient to determine the role of this variant in disease. Therefore, it has been classified as a Variant of Uncertain Significance.

NM_001351169.2(NT5C2):c.721G>C (p.Glu241Gln)

Gene: NT5C2 (5'-nucleotidase, cytosolic II; minus strand). Cytogenetic location: 10q24.32.
Variant type: single nucleotide variant.
Coding change: c.721G>C on transcript NM_001351169.2 (MANE Select); coding-DNA position 721, G replaced by C.
Protein change: p.Glu241Gln; replaces glutamic acid 241 with glutamine.
Molecular consequence: missense variant.
Genome position (GRCh38, 1-based): chr10:103,097,341, C>G on the plus strand (G>C on the coding strand, the complement: NT5C2 is on the minus strand). VCF-style: chr10-103097341-C-G. GRCh37 (hg19) VCF-style: chr10-104857098-C-G.
Other names: c.721G>C, p.Glu241Gln (NM_001134373.3, NM_012229.5); c.745G>C, p.Glu249Gln (NM_001351170.2, NM_001351171.2, NM_001351172.2 and 1 more transcripts); c.634G>C, p.Glu212Gln (NM_001351174.1); c.628G>C, p.Glu210Gln (NM_001351175.2); c.148G>C, p.Glu50Gln (NM_001351176.2, NM_001351177.2, NM_001351178.2 and 16 more transcripts); c.7G>C, p.Glu3Gln (NM_001351194.2, NM_001351195.2, NM_001351196.2); short protein forms E3Q, E241Q, E249Q, E210Q, E50Q, E212Q.
Identifiers: ClinVar variation 2159182 (VCV002159182.4), dbSNP rs754895062, ClinGen allele CA5670977.